The following is an entry in ClinVar:

ClinVar aggregate classification (germline): Likely benign. Review status: criteria provided, multiple submitters, no conflicts (2 of 4 stars). 3 submissions from 3 submitters: Likely benign (2). 1 of the submissions does not count toward it. Last evaluated 2024-10-26.

Conditions:
DVL3-related disorder. Also called: DVL3-related condition.

Allele frequency attached by ClinVar (database versions not stated): TOPMed 0.00005; ExAC 0.00006; gnomAD 0.00007; ESP Exome Variant Server 0.00008.

Submissions (3):

Labcorp Genetics (formerly Invitae), Labcorp
Classification: Likely benign. Last evaluated: 2024-10-26. Review status: criteria provided, single submitter. Criteria: Invitae Variant Classification Sherloc (09022015). Collection method: clinical testing. Allele origin: germline.

CeGaT Center for Human Genetics Tuebingen
Classification: Likely benign. Last evaluated: 2023-03-01. Review status: criteria provided, single submitter. Criteria: CeGaT Center For Human Genetics Tuebingen Variant Classification Criteria Version 2. Collection method: clinical testing. Allele origin: germline. Affected: yes. Observed: 2 variant alleles.
Comment: DVL3: BP4, BP7

PreventionGenetics, part of Exact Sciences
Classification: Likely benign for DVL3-related condition. Last evaluated: 2022-09-21. Review status: no assertion criteria provided. Collection method: clinical testing. Allele origin: germline. Not counted in ClinVar's aggregate classification.
Comment: This variant is classified as likely benign based on ACMG/AMP sequence variant interpretation guidelines (Richards et al. 2015 PMID: 25741868, with internal and published modifications).

NM_004423.4(DVL3):c.819C>T (p.Asp273=)

Gene: DVL3 (dishevelled segment polarity protein 3; plus strand). Cytogenetic location: 3q27.1.
Variant type: single nucleotide variant.
Coding change: c.819C>T on transcript NM_004423.4 (MANE Select); coding-DNA position 819, C replaced by T.
Protein change: p.Asp273=; no amino-acid change (aspartic acid 273 retained).
Molecular consequence: synonymous variant.
Genome position (GRCh38, 1-based): chr3:184,166,181, C>T. VCF-style: chr3-184166181-C-T. GRCh37 (hg19) VCF-style: chr3-183883969-C-T.
Other names: c.819C>T (NM_004423.3).
Identifiers: ClinVar variation 2185381 (VCV002185381.29), dbSNP rs367769683, ClinGen allele CA2727253.
Genomic context (GRCh38, chr3:184,166,181, plus strand): 5'-TATAGAAAAATATAACTTCTTGGGCATCTCCATTGTGGGCCAAAGCAACGAGCGTGGTGA[C>T]GGCGGCATCTACATTGGCTCTATCATGAAGGGTGGGGCCGTGGCTGCTGATGGACGCATC-3'
Protein context (NP_004414.3, residues 263-283): SIVGQSNERG[Asp273=]GGIYIGSIMK